The following is an entry in ClinVar:

ClinVar aggregate classification (germline): Uncertain significance. Review status: criteria provided, multiple submitters, no conflicts (2 of 4 stars). 3 submissions from 3 submitters: Uncertain significance (2). 1 of the submissions does not count toward it. Last evaluated 2024-09-17.

Conditions:
Peroxisome biogenesis disorder 3A (Zellweger). Also called: Peroxisome biogenesis disorder 3A; PEROXISOMAL BIOGENESIS DISORDER 3A (ZELLWEGER). Identifiers: Orphanet 912, MedGen C3553929, MONDO:0013927, OMIM 614859.
Peroxisome biogenesis disorder type 3B. Identifiers: Orphanet 44, Orphanet 772, MedGen C3550693, MONDO:0009959, OMIM 266510.

Submissions (3):

GeneDx
Classification: Uncertain significance. Last evaluated: 2024-09-17. Review status: criteria provided, single submitter. Criteria: GeneDx Variant Classification Process June 2021. Collection method: clinical testing. Allele origin: germline. Affected: yes.
Comment: In-frame deletion of 3 amino acids in a non-repeat region; In silico analysis supports a deleterious effect on protein structure/function; Has not been previously published as pathogenic or benign to our knowledge

Labcorp Genetics (formerly Invitae), Labcorp
Classification: Uncertain significance for Peroxisome biogenesis disorder 3A (Zellweger). Last evaluated: 2022-06-05. Review status: criteria provided, single submitter. Criteria: Invitae Variant Classification Sherloc (09022015). Collection method: clinical testing. Allele origin: germline.
Comment: This variant, c.392_400del, results in the deletion of 3 amino acid(s) of the PEX12 protein (p.Glu131_Leu133del), but otherwise preserves the integrity of the reading frame. This variant is present in population databases (no rsID available, gnomAD no frequency), including at least one homozygous and/or hemizygous individual. This variant has not been reported in the literature in individuals affected with PEX12-related conditions. ClinVar contains an entry for this variant (Variation ID: 553959). Experimental studies and prediction algorithms are not available or were not evaluated, and the functional significance of this variant is currently unknown. In summary, the available evidence is currently insufficient to determine the role of this variant in disease. Therefore, it has been classified as a Variant of Uncertain Significance.

Counsyl
Classification: Uncertain significance for Peroxisome biogenesis disorder type 3B; Peroxisome biogenesis disorder 3A (Zellweger). Last evaluated: 2017-09-21. Review status: no assertion criteria provided. Collection method: clinical testing. Allele origin: unknown. Not counted in ClinVar's aggregate classification.

NM_000286.3(PEX12):c.392_400del (p.Glu131_Leu133del)

Gene: PEX12 (peroxisomal biogenesis factor 12; minus strand). Cytogenetic location: 17q12.
Variant type: Deletion.
Coding change: c.392_400del on transcript NM_000286.3 (MANE Select); coding-DNA positions 392 to 400, 9 bases deleted (AGAAGCTGG; older notation c.392_400delAGAAGCTGG).
Protein change: p.Glu131_Leu133del.
Molecular consequence: inframe deletion.
Genome position (GRCh38, 1-based): chr17:35,577,318-35,577,326, CCAGCTTCT deleted on the plus strand (AGAAGCTGG on the coding strand, the reverse complement: PEX12 is on the minus strand); deleting any 9 consecutive bases within chr17:35,577,318-35,577,334 gives the same sequence; the c. name uses the placement nearest the transcript's 3' end. VCF-style (leftmost placement, unchanged base first): chr17-35577317-ACCAGCTTCT-A. GRCh37 (hg19) VCF-style: chr17-33904336-ACCAGCTTCT-A.
Other names: c.392_400del9 (NM_000286.2); c.392_400del (NM_000286.2).
Identifiers: ClinVar variation 553959 (VCV000553959.6), dbSNP rs1458853023, ClinGen allele CA626205333.